The following is an entry in ClinVar:

NM_002959.7(SORT1):c.1227C>T (p.Ser409=)

Gene: SORT1 (sortilin 1; minus strand). Cytogenetic location: 1p13.3.
Variant type: single nucleotide variant.
Coding change: c.1227C>T on transcript NM_002959.7 (MANE Select); coding-DNA position 1227, C replaced by T.
Protein change: p.Ser409=; no amino-acid change (serine 409 retained).
Molecular consequence: synonymous variant.
Genome position (GRCh38, 1-based): chr1:109,340,761, G>A on the plus strand (C>T on the coding strand, the complement: SORT1 is on the minus strand). VCF-style: chr1-109340761-G-A. GRCh37 (hg19) VCF-style: chr1-109883383-G-A.
Other names: c.816C>T, p.Ser272= (NM_001205228.2).
Identifiers: ClinVar variation 3047969 (VCV003047969.2), dbSNP rs746387781, ClinGen allele CA989943.
Genomic context (GRCh38, chr1:109,340,761, plus strand): 5'-ACCACTGCGATGCCGAGACTCACCTTCGGAGAGCACGCTTGTTATGTAGACGCCGCGGAG[G>A]GAGGTCACGTTGGTAAAGTCCGTCTCTCCGCCTGTGGTAGTGTAGAGATGTCGGTCCAAA-3'
Protein context (NP_002950.3, residues 399-419): GGETDFTNVT[Ser409=]LRGVYITSVL

ClinVar aggregate classification (germline): Likely benign (0 of 4 stars; one submission).

Conditions:
SORT1-related disorder. Also called: SORT1-related condition.

Allele frequency attached by ClinVar (database versions not stated): gnomAD 0.00010; TOPMed 0.00011; ExAC 0.00012; gnomAD exomes 0.00017.
gnomAD v4.1: 264 of 1,614,020 alleles (0.016%); highest among the groups gnomAD compares: Middle Eastern, 0.18%; no homozygotes.

Submission:

PreventionGenetics, part of Exact Sciences
Classification: Likely benign for SORT1-related condition. Last evaluated: 2019-12-06. Review status: no assertion criteria provided. Collection method: clinical testing. Allele origin: germline.
Comment: This variant is classified as likely benign based on ACMG/AMP sequence variant interpretation guidelines (Richards et al. 2015 PMID: 25741868, with internal and published modifications).